The following is an entry in ClinVar:

ClinVar aggregate classification (germline): Uncertain significance (1 of 4 stars; one submission).

Conditions:
Autosomal dominant nocturnal frontal lobe epilepsy 5. Also called: Epilepsy, nocturnal frontal lobe, 5; CILIARY DYSKINESIA, PRIMARY, 28, WITHOUT SITUS INVERSUS; CILIARY DYSKINESIA, PRIMARY, 28, WITH SITUS INVERSUS; KCNT1-Related Epilepsy. Identifiers: Orphanet 98784, MedGen C3554306, MONDO:0014002, OMIM 615005.
Developmental and epileptic encephalopathy, 14 (DEE14). Also called: Early infantile epileptic encephalopathy 14. Identifiers: Orphanet 293181, MedGen C3554195, MONDO:0013989, OMIM 614959.

Allele frequency attached by ClinVar (database versions not stated): gnomAD exomes below 0.00001.
gnomAD v4.1: 1 of 1,613,544 alleles (0.000062%); highest among the groups gnomAD compares: Non-Finnish European, 0.000085%; no homozygotes.

Submission:

Labcorp Genetics (formerly Invitae), Labcorp
Classification: Uncertain significance for Autosomal dominant nocturnal frontal lobe epilepsy 5; Developmental and epileptic encephalopathy, 14. Last evaluated: 2024-10-30. Review status: criteria provided, single submitter. Criteria: Invitae Variant Classification Sherloc (09022015). Collection method: clinical testing. Allele origin: germline.
Comment: This sequence change replaces lysine, which is basic and polar, with arginine, which is basic and polar, at codon 372 of the KCNT1 protein (p.Lys372Arg). This variant is not present in population databases (gnomAD no frequency). This variant has not been reported in the literature in individuals affected with KCNT1-related conditions. ClinVar contains an entry for this variant (Variation ID: 1350226). Invitae Evidence Modeling of protein sequence and biophysical properties (such as structural, functional, and spatial information, amino acid conservation, physicochemical variation, residue mobility, and thermodynamic stability) indicates that this missense variant is not expected to disrupt KCNT1 protein function with a negative predictive value of 80%. In summary, the available evidence is currently insufficient to determine the role of this variant in disease. Therefore, it has been classified as a Variant of Uncertain Significance.

NM_020822.3(KCNT1):c.1115A>G (p.Lys372Arg)

Gene: KCNT1 (potassium sodium-activated channel subfamily T member 1; plus strand). Cytogenetic location: 9q34.3.
Variant type: single nucleotide variant.
Coding change: c.1115A>G on transcript NM_020822.3 (MANE Select); coding-DNA position 1115, A replaced by G.
Protein change: p.Lys372Arg; replaces lysine 372 with arginine.
Molecular consequence: missense variant.
Genome position (GRCh38, 1-based): chr9:135,765,110, A>G. VCF-style: chr9-135765110-A-G. GRCh37 (hg19) VCF-style: chr9-138656956-A-G.
Other names: c.980A>G, p.Lys327Arg (NM_001272003.2); short protein forms K327R, K372R.
Identifiers: ClinVar variation 1350226 (VCV001350226.8), dbSNP rs2131473824, ClinGen allele CA375500124.